The following is an entry in ClinVar:

NM_017426.4(NUP54):c.480G>A (p.Pro160=)

Gene: NUP54 (nucleoporin 54; minus strand). Cytogenetic location: 4q21.1.
Variant type: single nucleotide variant.
Coding change: c.480G>A on transcript NM_017426.4 (MANE Select); coding-DNA position 480, G replaced by A.
Protein change: p.Pro160=; no amino-acid change (proline 160 retained).
Molecular consequence: synonymous variant.
Genome position (GRCh38, 1-based): chr4:76,136,228, C>T on the plus strand (G>A on the coding strand, the complement: NUP54 is on the minus strand). VCF-style: chr4-76136228-C-T. GRCh37 (hg19) VCF-style: chr4-77057381-C-T.
Other names: c.336G>A, p.Pro112= (NM_001278603.2).
Identifiers: ClinVar variation 5041270 (VCV005041270.1).

ClinVar aggregate classification (germline): Likely benign (1 of 4 stars; one submission).

gnomAD v4.1: 85 of 1,613,882 alleles (0.0053%); highest among the groups gnomAD compares: African/African-American, 0.064%; no homozygotes.

Submission:

CeGaT Center for Human Genetics Tuebingen
Classification: Likely benign. Last evaluated: 2026-09-01. Review status: criteria provided, single submitter. Criteria: CeGaT Center For Human Genetics Tuebingen Variant Classification Criteria Version 2. Collection method: clinical testing. Allele origin: germline. Affected: yes. Observed: 1 variant allele.
Comment: NUP54: BP4, BP7